The following is an entry in ClinVar:

NM_021254.4(CFAP298):c.238G>A (p.Gly80Ser)

Genes: CFAP298 (cilia and flagella associated protein 298; minus strand), CFAP298-TCP10L (CFAP298-TCP10L readthrough; minus strand). Cytogenetic location: 21q22.11.
Variant type: single nucleotide variant.
Coding change: c.238G>A on transcript NM_021254.4 (MANE Select); coding-DNA position 238, G replaced by A.
Protein change: p.Gly80Ser; replaces glycine 80 with serine.
Molecular consequence: missense variant. On other transcripts: non-coding transcript variant (2), synonymous variant (1).
Genome position (GRCh38, 1-based): chr21:32,609,907, C>T on the plus strand (G>A on the coding strand, the complement: CFAP298 is on the minus strand). VCF-style: chr21-32609907-C-T. GRCh37 (hg19) VCF-style: chr21-33982217-C-T.
Other names: c.238G>A, p.Gly80Ser (NM_001350338.2, NM_001350335.2, NM_001350336.2 and 1 more transcripts); c.9G>A, p.Gly3= (NM_001350334.2); short protein forms G80S.
Identifiers: ClinVar variation 2083775 (VCV002083775.3), dbSNP rs754827987, ClinGen allele CA10002940.

ClinVar aggregate classification (germline): Uncertain significance. Review status: criteria provided, multiple submitters, no conflicts (2 of 4 stars). 2 submissions from 2 submitters: Uncertain significance (2). Last evaluated 2025-03-31.

Conditions:
Inborn genetic diseases. Identifiers: MedGen C0950123, MeSH D030342.

Allele frequency attached by ClinVar (database versions not stated): gnomAD exomes 0.00002; ExAC 0.00006; gnomAD 0.00015; TOPMed 0.00023.

Submissions (2):

Labcorp Genetics (formerly Invitae), Labcorp
Classification: Uncertain significance. Last evaluated: 2025-03-31. Review status: criteria provided, single submitter. Criteria: Invitae Variant Classification Sherloc (09022015). Collection method: clinical testing. Allele origin: germline.
Comment: This sequence change replaces glycine, which is neutral and non-polar, with serine, which is neutral and polar, at codon 80 of the CFAP298 protein (p.Gly80Ser). This variant is present in population databases (rs754827987, gnomAD 0.07%). This variant has not been reported in the literature in individuals affected with CFAP298-related conditions. ClinVar contains an entry for this variant (Variation ID: 2083775). An algorithm developed to predict the effect of missense changes on protein structure and function (PolyPhen-2) suggests that this variant is likely to be tolerated. In summary, the available evidence is currently insufficient to determine the role of this variant in disease. Therefore, it has been classified as a Variant of Uncertain Significance.

Ambry Genetics
Classification: Uncertain significance for Inborn genetic diseases. Last evaluated: 2021-07-26. Review status: criteria provided, single submitter. Criteria: Ambry Variant Classification Scheme 2023. Collection method: clinical testing. Allele origin: germline.